The following is an entry in ClinVar:

ClinVar aggregate classification (germline): Uncertain significance (1 of 4 stars; one submission).

Conditions:
Schuurs-Hoeijmakers syndrome. Also called: PACS1-Related Neurodevelopmental Disorder. Identifiers: Orphanet 329224, MedGen C3554343, MONDO:0014006, OMIM 615009.

Submission:

Labcorp Genetics (formerly Invitae), Labcorp
Classification: Uncertain significance for Schuurs-Hoeijmakers syndrome. Last evaluated: 2024-02-06. Review status: criteria provided, single submitter. Criteria: Invitae Variant Classification Sherloc (09022015). Collection method: clinical testing. Allele origin: germline.
Comment: This sequence change replaces aspartic acid, which is acidic and polar, with glutamic acid, which is acidic and polar, at codon 489 of the PACS1 protein (p.Asp489Glu). This variant is not present in population databases (gnomAD no frequency). This variant has not been reported in the literature in individuals affected with PACS1-related conditions. Advanced modeling of protein sequence and biophysical properties (such as structural, functional, and spatial information, amino acid conservation, physicochemical variation, residue mobility, and thermodynamic stability) performed at Invitae indicates that this missense variant is not expected to disrupt PACS1 protein function with a negative predictive value of 80%. In summary, the available evidence is currently insufficient to determine the role of this variant in disease. Therefore, it has been classified as a Variant of Uncertain Significance.

NM_018026.4(PACS1):c.1467T>A (p.Asp489Glu)

Gene: PACS1 (phosphofurin acidic cluster sorting protein 1; plus strand). Cytogenetic location: 11q13.2.
Variant type: single nucleotide variant.
Coding change: c.1467T>A on transcript NM_018026.4 (MANE Select); coding-DNA position 1467, T replaced by A.
Protein change: p.Asp489Glu; replaces aspartic acid 489 with glutamic acid.
Molecular consequence: missense variant.
Genome position (GRCh38, 1-based): chr11:66,230,640, T>A. VCF-style: chr11-66230640-T-A. GRCh37 (hg19) VCF-style: chr11-65998111-T-A.
Other names: short protein forms D489E.
Identifiers: ClinVar variation 3631565 (VCV003631565.2).
Genomic context (GRCh38, chr11:66,230,640, plus strand): 5'-CAGCACGAGTCTGGTTGTGCCGGAGAAAGTCAAAACTCCCATGAAGTCCAGTAAAACGGA[T>A]CTCCAGGGCTCTGCCTCCCCCAGGTACTGCAGATGGAAAGGAAGCAGGGGGTACAGCCTG-3'
Protein context (NP_060496.2, residues 479-499): VKTPMKSSKT[Asp489Glu]LQGSASPSKV